The following is an entry in ClinVar:

ClinVar aggregate classification (germline): Benign/Likely benign. Review status: criteria provided, multiple submitters, no conflicts (2 of 4 stars). 4 submissions from 4 submitters: Benign (1); Likely benign (3). Last evaluated 2025-04-04.

Conditions:
Hereditary cancer-predisposing syndrome. Also called: Neoplastic Syndromes, Hereditary; Hereditary neoplastic syndrome; Tumor predisposition; Hereditary Cancer Syndrome. Identifiers: Orphanet 140162, MedGen C0027672, MeSH D009386, MONDO:0015356.
Hereditary diffuse gastric adenocarcinoma (HDGC). Also called: DIFFUSE GASTRIC AND LOBULAR BREAST CANCER SYNDROME. Identifiers: Orphanet 26106, MedGen C1708349, MONDO:0007648, OMIM 137215.

Submissions (4):

Ambry Genetics
Classification: Likely benign for Hereditary cancer-predisposing syndrome. Last evaluated: 2025-04-04. Review status: criteria provided, single submitter. Criteria: Ambry Variant Classification Scheme 2023. Collection method: clinical testing. Allele origin: germline.

Myriad Genetics, Inc.
Classification: Benign for Hereditary diffuse gastric adenocarcinoma. Last evaluated: 2024-09-10. Review status: criteria provided, single submitter. Criteria: Myriad Autosomal Dominant, Autosomal Recessive and X-Linked Classification Criteria (2023). Collection method: clinical testing. Allele origin: unknown.
Comment: This variant is considered benign. This variant is a silent/synonymous amino acid change and it is not expected to impact splicing.

Labcorp Genetics (formerly Invitae), Labcorp
Classification: Likely benign for Hereditary diffuse gastric adenocarcinoma. Last evaluated: 2020-03-18. Review status: criteria provided, single submitter. Criteria: Invitae Variant Classification Sherloc (09022015). Collection method: clinical testing. Allele origin: germline.

GeneDx
Classification: Likely benign. Last evaluated: 2018-11-21. Review status: criteria provided, single submitter. Criteria: GeneDx Variant Classification Process June 2021. Collection method: clinical testing. Allele origin: germline. Affected: yes.
Comment: See Variant Classification Assertion Criteria.

NM_004360.5(CDH1):c.31C>T (p.Leu11=)

Gene: CDH1 (cadherin 1; plus strand). Cytogenetic location: 16q22.1.
Variant type: single nucleotide variant.
Coding change: c.31C>T on transcript NM_004360.5 (MANE Select); coding-DNA position 31, C replaced by T.
Protein change: p.Leu11=; no amino-acid change (leucine 11 retained).
Molecular consequence: synonymous variant. On other transcripts: 5 prime UTR variant (2).
Genome position (GRCh38, 1-based): chr16:68,737,446, C>T. VCF-style: chr16-68737446-C-T. GRCh37 (hg19) VCF-style: chr16-68771349-C-T.
Other names: c.31C>T (NM_004360.3); c.31C>T, p.Leu11= (NM_001317184.2); c.-1585C>T (NM_001317185.2); c.-1789C>T (NM_001317186.2).
Identifiers: ClinVar variation 1132551 (VCV001132551.12), dbSNP rs2152113973, ClinGen allele CA496149561.